The following is an entry in ClinVar:

NM_000217.3(KCNA1):c.542T>A (p.Ile181Asn)

Gene: KCNA1 (potassium voltage-gated channel subfamily A member 1; plus strand). Cytogenetic location: 12p13.32.
Variant type: single nucleotide variant.
Coding change: c.542T>A on transcript NM_000217.3 (MANE Select); coding-DNA position 542, T replaced by A.
Protein change: p.Ile181Asn; replaces isoleucine 181 with asparagine.
Molecular consequence: missense variant.
Genome position (GRCh38, 1-based): chr12:4,911,920, T>A. VCF-style: chr12-4911920-T-A. GRCh37 (hg19) VCF-style: chr12-5021086-T-A.
Other names: short protein forms I181N.
Identifiers: ClinVar variation 3721118 (VCV003721118.2).
Genomic context (GRCh38, chr12:4,911,920, plus strand): 5'-AGAGCTCGGGGCCCGCCAGGGTCATCGCCATCGTCTCCGTCATGGTCATCCTCATCTCCA[T>A]CGTCATCTTTTGCCTGGAGACGCTCCCCGAGCTGAAGGATGACAAGGACTTCACGGGCAC-3'
Protein context (NP_000208.2, residues 171-191): IVSVMVILIS[Ile181Asn]VIFCLETLPE

ClinVar aggregate classification (germline): Uncertain significance (1 of 4 stars; one submission).

Conditions:
Episodic ataxia type 1 (EA1). Also called: MYOKYMIA WITH PERIODIC ATAXIA; PAROXYSMAL ATAXIA WITH NEUROMYOTONIA, HEREDITARY; Episodic ataxia/myokymia syndrome; ATAXIA, EPISODIC, WITH MYOKYMIA. Identifiers: Orphanet 37612, Orphanet 972, MedGen C1719788, MONDO:0008047, OMIM 160120.

Submission:

Labcorp Genetics (formerly Invitae), Labcorp
Classification: Uncertain significance for Episodic ataxia type 1. Last evaluated: 2025-03-23. Review status: criteria provided, single submitter. Criteria: Invitae Variant Classification Sherloc (09022015). Collection method: clinical testing. Allele origin: germline.
Comment: This sequence change replaces isoleucine, which is neutral and non-polar, with asparagine, which is neutral and polar, at codon 181 of the KCNA1 protein (p.Ile181Asn). This variant is not present in population databases (gnomAD no frequency). This variant has not been reported in the literature in individuals affected with KCNA1-related conditions. Invitae Evidence Modeling of protein sequence and biophysical properties (such as structural, functional, and spatial information, amino acid conservation, physicochemical variation, residue mobility, and thermodynamic stability) indicates that this missense variant is expected to disrupt KCNA1 protein function with a positive predictive value of 95%. In summary, the available evidence is currently insufficient to determine the role of this variant in disease. Therefore, it has been classified as a Variant of Uncertain Significance.